The following is an entry in ClinVar:

ClinVar aggregate classification (germline): Uncertain significance (1 of 4 stars; one submission).

Submission:

CeGaT Center for Human Genetics Tuebingen
Classification: Uncertain significance. Last evaluated: 2026-09-01. Review status: criteria provided, single submitter. Criteria: CeGaT Center For Human Genetics Tuebingen Variant Classification Criteria Version 2. Collection method: clinical testing. Allele origin: germline. Affected: yes. Observed: 1 variant allele.
Comment: COL6A3: PM2, BP4

NM_004369.4(COL6A3):c.9514A>G (p.Ile3172Val)

Genes: COL6A3 (collagen type VI alpha 3 chain; minus strand), LOC126806573 (CDK7 strongly-dependent group 2 enhancer GRCh37_chr2:238233151-238234350; plus strand). Cytogenetic location: 2q37.3.
Variant type: single nucleotide variant.
Coding change: c.9514A>G on transcript NM_004369.4 (MANE Select); coding-DNA position 9514, A replaced by G.
Protein change: p.Ile3172Val; replaces isoleucine 3172 with valine.
Molecular consequence: missense variant.
Genome position (GRCh38, 1-based): chr2:237,324,794, T>C on the plus strand (A>G on the coding strand, the complement: COL6A3 is on the minus strand). VCF-style: chr2-237324794-T-C. GRCh37 (hg19) VCF-style: chr2-238233437-T-C.
Other names: c.7693A>G, p.Ile2565Val (NM_057166.5); c.8896A>G, p.Ile2966Val (NM_057167.4); short protein forms I2565V, I2966V, I3172V.
Identifiers: ClinVar variation 5041527 (VCV005041527.1).